The following is an entry in ClinVar:

NM_014000.3(VCL):c.1861A>C (p.Asn621His)

Gene: VCL (vinculin; plus strand). Cytogenetic location: 10q22.2.
Variant type: single nucleotide variant.
Coding change: c.1861A>C on transcript NM_014000.3 (MANE Select); coding-DNA position 1861, A replaced by C.
Protein change: p.Asn621His; replaces asparagine 621 with histidine.
Molecular consequence: missense variant.
Genome position (GRCh38, 1-based): chr10:74,097,321, A>C. VCF-style: chr10-74097321-A-C. GRCh37 (hg19) VCF-style: chr10-75857079-A-C.
Other names: c.1861A>C, p.Asn621His (NM_003373.4); short protein forms N621H.
Identifiers: ClinVar variation 536708 (VCV000536708.8), dbSNP rs374309823, ClinGen allele CA377276900.

ClinVar aggregate classification (germline): Uncertain significance. Review status: criteria provided, multiple submitters, no conflicts (2 of 4 stars). 2 submissions from 2 submitters: Uncertain significance (2). Last evaluated 2023-03-30.

Conditions:
Dilated cardiomyopathy 1W (CMD1W). Identifiers: Orphanet 154, MedGen C1969639, MONDO:0012667, OMIM 611407.

gnomAD v4.1: 2 of 1,613,344 alleles (0.00012%); highest among the groups gnomAD compares: Non-Finnish European, 0.00017%; no homozygotes.

Submissions (2):

Labcorp Genetics (formerly Invitae), Labcorp
Classification: Uncertain significance for Dilated cardiomyopathy 1W. Last evaluated: 2023-03-30. Review status: criteria provided, single submitter. Criteria: Invitae Variant Classification Sherloc (09022015). Collection method: clinical testing. Allele origin: germline.
Comment: This sequence change replaces asparagine, which is neutral and polar, with histidine, which is basic and polar, at codon 621 of the VCL protein (p.Asn621His). This variant is not present in population databases (gnomAD no frequency). This variant has not been reported in the literature in individuals affected with VCL-related conditions. ClinVar contains an entry for this variant (Variation ID: 536708). An algorithm developed to predict the effect of missense changes on protein structure and function (PolyPhen-2) suggests that this variant is likely to be disruptive. In summary, the available evidence is currently insufficient to determine the role of this variant in disease. Therefore, it has been classified as a Variant of Uncertain Significance.

GeneDx
Classification: Uncertain significance. Last evaluated: 2019-10-11. Review status: criteria provided, single submitter. Criteria: GeneDx Variant Classification Process June 2021. Collection method: clinical testing. Allele origin: germline. Affected: yes.
Comment: Has not been previously published as pathogenic or benign to our knowledge; Reported in ClinVar as a variant of uncertain significance by another clinical laboratory (ClinVar Variant ID# 536708; Landrum et al., 2016); Not observed in large population cohorts (Lek et al., 2016); In silico analysis, which includes protein predictors and evolutionary conservation, supports a deleterious effect